The following is an entry in ClinVar:

NM_006922.4(SCN3A):c.5073C>A (p.Asn1691Lys)

Gene: SCN3A (sodium voltage-gated channel alpha subunit 3; minus strand). Cytogenetic location: 2q24.3.
Variant type: single nucleotide variant.
Coding change: c.5073C>A on transcript NM_006922.4 (MANE Select); coding-DNA position 5073, C replaced by A.
Protein change: p.Asn1691Lys; replaces asparagine 1691 with lysine.
Molecular consequence: missense variant.
Genome position (GRCh38, 1-based): chr2:165,091,080, G>T on the plus strand (C>A on the coding strand, the complement: SCN3A is on the minus strand). VCF-style: chr2-165091080-G-T. GRCh37 (hg19) VCF-style: chr2-165947590-G-T.
Other names: c.4926C>A, p.Asn1642Lys (NM_001081676.2, NM_001081677.2); short protein forms N1642K, N1691K.
Identifiers: ClinVar variation 2651476 (VCV002651476.24), dbSNP rs2468041124, ClinGen allele CA349017358.

ClinVar aggregate classification (germline): Uncertain significance (1 of 4 stars; one submission).

Submission:

CeGaT Center for Human Genetics Tuebingen
Classification: Uncertain significance. Last evaluated: 2023-08-01. Review status: criteria provided, single submitter. Criteria: CeGaT Center For Human Genetics Tuebingen Variant Classification Criteria Version 2. Collection method: clinical testing. Allele origin: germline. Affected: yes. Observed: 1 variant allele.
Comment: SCN3A: PM2, PP3